The following is an entry in ClinVar:

NM_007294.4(BRCA1):c.2421A>G (p.Ala807=)

Gene: BRCA1 (BRCA1 DNA repair associated; minus strand). Cytogenetic location: 17q21.31.
Variant type: single nucleotide variant.
Coding change: c.2421A>G on transcript NM_007294.4 (MANE Select); coding-DNA position 2421, A replaced by G.
Protein change: p.Ala807=; no amino-acid change (alanine 807 retained).
Molecular consequence: synonymous variant. On other transcripts: intron variant (137).
Genome position (GRCh38, 1-based): chr17:43,093,110, T>C on the plus strand (A>G on the coding strand, the complement: BRCA1 is on the minus strand). VCF-style: chr17-43093110-T-C. GRCh37 (hg19) VCF-style: chr17-41245127-T-C.
Other names: c.2208A>G, p.Ala736= (NM_001407571.1, NM_001407853.1, NM_001407894.1 and 9 more transcripts); c.2421A>G, p.Ala807= (NM_001407581.1, NM_001407582.1, NM_001407583.1 and 30 more transcripts); c.2418A>G, p.Ala806= (NM_001407587.1, NM_001407590.1, NM_001407591.1 and 22 more transcripts); c.2412A>G, p.Ala804= (NM_001407646.1, NM_001407647.1); c.2298A>G, p.Ala766= (NM_001407648.1, NM_001407664.1, NM_001407665.1 and 19 more transcripts); c.2295A>G, p.Ala765= (NM_001407649.1, NM_001407670.1, NM_001407671.1 and 11 more transcripts); c.2343A>G, p.Ala781= (NM_001407653.1, NM_001407654.1, NM_001407655.1 and 4 more transcripts); c.2340A>G, p.Ala780= (NM_001407659.1, NM_001407660.1, NM_001407661.1 and 1 more transcripts); and 41 more.
Identifiers: ClinVar variation 184951 (VCV000184951.16), dbSNP rs772960140, ClinGen allele CA001615.

ClinVar aggregate classification (germline): Likely benign. Review status: reviewed by expert panel (3 of 4 stars). 3 submissions from 3 submitters: Likely benign (1). 2 of the submissions do not count toward it. Last evaluated 2017-06-29.

Conditions:
Hereditary breast ovarian cancer syndrome. Also called: Hereditary breast and ovarian cancer syndrome; Hereditary breast and ovarian cancer syndrome (HBOC); BRCA1- and BRCA2-Associated Hereditary Breast and Ovarian Cancer; Breast and ovarian cancer; Hereditary breast and ovarian cancer; Hereditary breast and/or ovarian cancer syndrome. Identifiers: Orphanet 145, MedGen C0677776, MeSH D061325, MONDO:0003582. Disease mechanism: loss of function.
Breast-ovarian cancer, familial, susceptibility to, 1 (BROVCA1). Also called: OVARIAN CANCER, SUSCEPTIBILITY TO; BRCA1 Hereditary Breast and Ovarian Cancer. Identifiers: Orphanet 145, MedGen C2676676, MONDO:0011450, OMIM 604370. Disease mechanism: loss of function.
Hereditary cancer-predisposing syndrome. Also called: Hereditary Cancer Syndrome; Hereditary neoplastic syndrome; Tumor predisposition; Neoplastic Syndromes, Hereditary. Identifiers: Orphanet 140162, MedGen C0027672, MeSH D009386, MONDO:0015356.

Allele frequency attached by ClinVar (database versions not stated): gnomAD exomes below 0.00001; TOPMed below 0.00001; ExAC 0.00001.
gnomAD v4.1: 1 of 1,613,688 alleles (0.000062%); highest among the groups gnomAD compares: Non-Finnish European, 0.000085%; no homozygotes.

Submissions (3):

Evidence-based Network for the Interpretation of Germline Mutant Alleles (ENIGMA)
Classification: Likely benign for Breast-ovarian cancer, familial, susceptibility to, 1. Last evaluated: 2017-06-29. Review status: reviewed by expert panel. Criteria: ENIGMA BRCA1/2 Classification Criteria (2017-06-29). Collection method: curation. Allele origin: germline.
Comment: Synonymous substitution variant, with low bioinformatic likelihood to result in a splicing aberration (Splicing prior probability 0.02).

Labcorp Genetics (formerly Invitae), Labcorp
Classification: Likely benign for Hereditary breast ovarian cancer syndrome. Last evaluated: 2022-11-22. Review status: criteria provided, single submitter. Criteria: Invitae Variant Classification Sherloc (09022015). Collection method: clinical testing. Allele origin: germline. Not counted in ClinVar's aggregate classification.

Ambry Genetics
Classification: Likely benign for Hereditary cancer-predisposing syndrome. Last evaluated: 2016-11-21. Review status: criteria provided, single submitter. Criteria: Ambry Variant Classification Scheme 2023. Collection method: clinical testing. Allele origin: germline. Not counted in ClinVar's aggregate classification.